The following is an entry in ClinVar:

NM_001353108.3(CEP63):c.1832C>T (p.Ser611Phe)

Gene: CEP63 (centrosomal protein 63; plus strand). Cytogenetic location: 3q22.2.
Variant type: single nucleotide variant.
Coding change: c.1832C>T on transcript NM_001353108.3 (MANE Select); coding-DNA position 1832, C replaced by T.
Protein change: p.Ser611Phe; replaces serine 611 with phenylalanine.
Molecular consequence: missense variant. On other transcripts: non-coding transcript variant (1), intron variant (17).
Genome position (GRCh38, 1-based): chr3:134,559,308, C>T. VCF-style: chr3-134559308-C-T. GRCh37 (hg19) VCF-style: chr3-134278150-C-T.
Other names: c.1832C>T (NM_025180.3); c.1694C>T, p.Ser565Phe (NM_001353109.1); c.1832C>T, p.Ser611Phe (NM_025180.5); c.1467+7296C>T (NM_001353113.1, NM_001353117.2); c.1329+7296C>T (NM_001042384.2, NM_001353124.2, NM_001353123.2); c.1330-2069C>T (NM_001353122.1, NM_001042383.2, NM_001353121.2 and 2 more transcripts); c.1468-2069C>T (NM_001353110.1, NM_001353112.2, NM_001353111.2 and 1 more transcripts); c.1357-2069C>T (NM_001353118.1); and 2 more; short protein forms S611F, S565F.
Identifiers: ClinVar variation 1460980 (VCV001460980.10), dbSNP rs551976358, ClinGen allele CA2628797.

ClinVar aggregate classification (germline): Uncertain significance. Review status: criteria provided, multiple submitters, no conflicts (2 of 4 stars). 3 submissions from 3 submitters: Uncertain significance (3). Last evaluated 2025-08-12.

Conditions:
Inborn genetic diseases. Identifiers: MedGen C0950123, MeSH D030342.

Allele frequency attached by ClinVar (database versions not stated): gnomAD 0.00004 and 0.00007; TOPMed 0.00004; gnomAD exomes 0.00007; ExAC 0.00012; 1000 Genomes Project 0.00040; 1000 Genomes Project 30x 0.00047.
gnomAD v4.1: 122 of 1,614,170 alleles (0.0076%); highest among the groups gnomAD compares: South Asian, 0.071%; 2 homozygotes.

Submissions (3):

Ambry Genetics
Classification: Uncertain significance for Inborn genetic diseases. Last evaluated: 2025-08-12. Review status: criteria provided, single submitter. Criteria: Ambry Variant Classification Scheme 2023. Collection method: clinical testing. Allele origin: germline.

Labcorp Genetics (formerly Invitae), Labcorp
Classification: Uncertain significance. Last evaluated: 2025-01-06. Review status: criteria provided, single submitter. Criteria: Invitae Variant Classification Sherloc (09022015). Collection method: clinical testing. Allele origin: germline.
Comment: This sequence change replaces serine, which is neutral and polar, with phenylalanine, which is neutral and non-polar, at codon 611 of the CEP63 protein (p.Ser611Phe). This variant is present in population databases (rs551976358, gnomAD 0.05%). This variant has not been reported in the literature in individuals affected with CEP63-related conditions. ClinVar contains an entry for this variant (Variation ID: 1460980). An algorithm developed to predict the effect of missense changes on protein structure and function (PolyPhen-2) suggests that this variant¬†is likely to be tolerated. In summary, the available evidence is currently insufficient to determine the role of this variant in disease. Therefore, it has been classified as a Variant of Uncertain Significance.

Breakthrough Genomics
Classification: Uncertain significance. Review status: criteria provided, single submitter. Criteria: ACMG Guidelines, 2015. Collection method: not provided. Allele origin: germline. Inheritance: Autosomal recessive inheritance. Affected: yes.